The following is an entry in ClinVar:

ClinVar aggregate classification (germline): Uncertain significance (1 of 4 stars; one submission).

Conditions:
Spastic paraplegia. Identifiers: MedGen C0037772, HP:0001258.

Submission:

Labcorp Genetics (formerly Invitae), Labcorp
Classification: Uncertain significance for Spastic paraplegia. Last evaluated: 2024-11-16. Review status: criteria provided, single submitter. Criteria: Invitae Variant Classification Sherloc (09022015). Collection method: clinical testing. Allele origin: germline.
Comment: This sequence change replaces leucine, which is neutral and non-polar, with methionine, which is neutral and non-polar, at codon 564 of the KDM5C protein (p.Leu564Met). This variant is not present in population databases (gnomAD no frequency). This variant has not been reported in the literature in individuals affected with KDM5C-related conditions. Invitae Evidence Modeling of protein sequence and biophysical properties (such as structural, functional, and spatial information, amino acid conservation, physicochemical variation, residue mobility, and thermodynamic stability) has been performed for this missense variant. However, the output from this modeling did not meet the statistical confidence thresholds required to predict the impact of this variant on KDM5C protein function. In summary, the available evidence is currently insufficient to determine the role of this variant in disease. Therefore, it has been classified as a Variant of Uncertain Significance.

NM_004187.5(KDM5C):c.1690C>A (p.Leu564Met)

Gene: KDM5C (lysine demethylase 5C; minus strand). Cytogenetic location: Xp11.22.
Variant type: single nucleotide variant.
Coding change: c.1690C>A on transcript NM_004187.5 (MANE Select); coding-DNA position 1690, C replaced by A.
Protein change: p.Leu564Met; replaces leucine 564 with methionine.
Molecular consequence: missense variant. On other transcripts: non-coding transcript variant (3).
Genome position (GRCh38, 1-based): chrX:53,210,470, G>T on the plus strand (C>A on the coding strand, the complement: KDM5C is on the minus strand). VCF-style: chrX-53210470-G-T. GRCh37 (hg19) VCF-style: chrX-53239652-G-T.
Other names: c.1489C>A, p.Leu497Met (NM_001146702.2); c.1687C>A, p.Leu563Met (NM_001282622.3, NM_001353979.2, NM_001353982.2); c.1690C>A, p.Leu564Met (NM_001353978.3, NM_001353981.2, NM_001353984.2); short protein forms L497M, L563M, L564M.
Identifiers: ClinVar variation 3720424 (VCV003720424.2).